The following is an entry in ClinVar:

NM_001003722.2(GLE1):c.152G>A (p.Trp51Ter)

Gene: GLE1 (GLE1 RNA export mediator; plus strand). Cytogenetic location: 9q34.11.
Variant type: single nucleotide variant.
Coding change: c.152G>A on transcript NM_001003722.2 (MANE Select); coding-DNA position 152, G replaced by A.
Protein change: p.Trp51Ter; replaces tryptophan 51 with a stop codon.
Molecular consequence: nonsense.
Genome position (GRCh38, 1-based): chr9:128,508,928, G>A. VCF-style: chr9-128508928-G-A. GRCh37 (hg19) VCF-style: chr9-131271207-G-A.
Other names: c.152G>A, p.Trp51Ter (NM_001411013.1, NM_001499.2); short protein forms W51*.
Identifiers: ClinVar variation 2764178 (VCV002764178.3), dbSNP rs2540557166, ClinGen allele CA375056331.

ClinVar aggregate classification (germline): Pathogenic (1 of 4 stars; one submission).

Submission:

Labcorp Genetics (formerly Invitae), Labcorp
Classification: Pathogenic. Last evaluated: 2023-09-29. Review status: criteria provided, single submitter. Criteria: Invitae Variant Classification Sherloc (09022015). Collection method: clinical testing. Allele origin: germline.
Comment: For these reasons, this variant has been classified as Pathogenic. Algorithms developed to predict the effect of sequence changes on RNA splicing suggest that this variant may disrupt the consensus splice site. This premature translational stop signal has been observed in individual(s) with GLE1-related conditions (PMID: 33369814). This variant is not present in population databases (gnomAD no frequency). This sequence change creates a premature translational stop signal (p.Trp51*) in the GLE1 gene. It is expected to result in an absent or disrupted protein product. Loss-of-function variants in GLE1 are known to be pathogenic (PMID: 18204449, 24243016, 27684565).

Literature cited by the submitters: PubMed 33369814; PubMed 18204449; PubMed 24243016; PubMed 27684565.